The following is an entry in ClinVar:

ClinVar aggregate classification (germline): Uncertain significance (1 of 4 stars; one submission).

Conditions:
Dilated cardiomyopathy 1KK (CMD1KK). Identifiers: Orphanet 154, Orphanet 75249, MedGen C3714995, MONDO:0014100, OMIM 615248.

Allele frequency attached by ClinVar (database versions not stated): gnomAD 0.00001; gnomAD exomes 0.00001 and 0.00004; ExAC 0.00008.
gnomAD v4.1: 17 of 1,613,912 alleles (0.0011%); highest among the groups gnomAD compares: Non-Finnish European, 0.00093%; no homozygotes.

Submission:

Labcorp Genetics (formerly Invitae), Labcorp
Classification: Uncertain significance for Dilated cardiomyopathy 1KK. Last evaluated: 2018-12-20. Review status: criteria provided, single submitter. Criteria: Invitae Variant Classification Sherloc (09022015). Collection method: clinical testing. Allele origin: germline.
Comment: This sequence change replaces proline with serine at codon 650 of the MYPN protein (p.Pro650Ser). The proline residue is highly conserved and there is a moderate physicochemical difference between proline and serine. This variant is present in population databases (rs763195372, ExAC 0.01%). This variant has not been reported in the literature in individuals with MYPN-related conditions. Algorithms developed to predict the effect of missense changes on protein structure and function are either unavailable or do not agree on the potential impact of this missense change (SIFT: "Tolerated"; PolyPhen-2: "Probably Damaging"; Align-GVGD: "Class C0"). In summary, the available evidence is currently insufficient to determine the role of this variant in disease. Therefore, it has been classified as a Variant of Uncertain Significance.

NM_032578.4(MYPN):c.1948C>T (p.Pro650Ser)

Gene: MYPN (myopalladin; plus strand). Cytogenetic location: 10q21.3.
Variant type: single nucleotide variant.
Coding change: c.1948C>T on transcript NM_032578.4 (MANE Select); coding-DNA position 1948, C replaced by T.
Protein change: p.Pro650Ser; replaces proline 650 with serine.
Molecular consequence: missense variant. On other transcripts: non-coding transcript variant (2).
Genome position (GRCh38, 1-based): chr10:68,166,641, C>T. VCF-style: chr10-68166641-C-T. GRCh37 (hg19) VCF-style: chr10-69926398-C-T.
Other names: c.1948C>T, p.Pro650Ser (NM_001256267.2); c.1066C>T, p.Pro356Ser (NM_001256268.2); short protein forms P356S, P650S.
Identifiers: ClinVar variation 647231 (VCV000647231.1), dbSNP rs763195372, ClinGen allele CA5522691.